The following is an entry in ClinVar:

NM_000059.4(BRCA2):c.8770dup (p.Glu2924fs)

Gene: BRCA2 (BRCA2 DNA repair associated; plus strand). Cytogenetic location: 13q13.1.
Variant type: Duplication.
Coding change: c.8770dup on transcript NM_000059.4 (MANE Select); coding-DNA position 8770, one base duplicated (G; older notation c.8770dupG).
Protein change: p.Glu2924fs; shifts the reading frame from glutamic acid 2924.
Molecular consequence: frameshift variant.
Genome position (GRCh38, 1-based): chr13:32,379,332, G duplicated. VCF-style (leftmost placement, unchanged base first): chr13-32379331-A-AG. GRCh37 (hg19) VCF-style: chr13-32953468-A-AG.
Other names: short protein forms E2924fs.
Identifiers: ClinVar variation 1411416 (VCV001411416.6), dbSNP rs2137619040, ClinGen allele CA2573149225.

ClinVar aggregate classification (germline): Pathogenic (1 of 4 stars; one submission).

Conditions:
Hereditary breast ovarian cancer syndrome. Also called: Hereditary breast and ovarian cancer syndrome (HBOC); Breast and ovarian cancer; Hereditary breast and ovarian cancer syndrome; Hereditary breast and/or ovarian cancer syndrome; Hereditary breast and ovarian cancer; BRCA1- and BRCA2-Associated Hereditary Breast and Ovarian Cancer. Identifiers: Orphanet 145, MedGen C0677776, MeSH D061325, MONDO:0003582. Disease mechanism: loss of function.

Submission:

Labcorp Genetics (formerly Invitae), Labcorp
Classification: Pathogenic for Hereditary breast ovarian cancer syndrome. Last evaluated: 2021-01-29. Review status: criteria provided, single submitter. Criteria: Invitae Variant Classification Sherloc (09022015). Collection method: clinical testing. Allele origin: germline.
Comment: For these reasons, this variant has been classified as Pathogenic. This variant has not been reported in the literature in individuals with BRCA2-related conditions. This variant is not present in population databases (ExAC no frequency). This sequence change creates a premature translational stop signal (p.Glu2924Glyfs*8) in the BRCA2 gene. It is expected to result in an absent or disrupted protein product. Loss-of-function variants in BRCA2 are known to be pathogenic (PMID: 20104584).

Literature cited by the submitters: PubMed 20104584.